The following is an entry in ClinVar:

ClinVar aggregate classification (germline): Uncertain significance (1 of 4 stars; one submission).

gnomAD v4.1: 20 of 1,270,132 alleles (0.0016%); highest among the groups gnomAD compares: Non-Finnish European, 0.0019%; no homozygotes.

Submission:

Labcorp Genetics (formerly Invitae), Labcorp
Classification: Uncertain significance. Last evaluated: 2026-01-21. Review status: criteria provided, single submitter. Criteria: Invitae Variant Classification Sherloc (09022015). Collection method: clinical testing. Allele origin: germline.
Comment: This sequence change replaces serine, which is neutral and polar, with asparagine, which is neutral and polar, at codon 52 of the GATA5 protein (p.Ser52Asn). This variant is present in population databases (rs781995328, gnomAD 0.007%). This variant has not been reported in the literature in individuals affected with GATA5-related conditions. ClinVar contains an entry for this variant (Variation ID: 3685499). Invitae Evidence Modeling of protein sequence and biophysical properties (such as structural, functional, and spatial information, amino acid conservation, physicochemical variation, residue mobility, and thermodynamic stability) indicates that this missense variant is not expected to disrupt GATA5 protein function with a negative predictive value of 80%. In summary, the available evidence is currently insufficient to determine the role of this variant in disease. Therefore, it has been classified as a Variant of Uncertain Significance.

NM_080473.5(GATA5):c.155G>A (p.Ser52Asn)

Gene: GATA5 (GATA binding protein 5; minus strand). Cytogenetic location: 20q13.33.
Variant type: single nucleotide variant.
Coding change: c.155G>A on transcript NM_080473.5 (MANE Select); coding-DNA position 155, G replaced by A.
Protein change: p.Ser52Asn; replaces serine 52 with asparagine.
Molecular consequence: missense variant.
Genome position (GRCh38, 1-based): chr20:62,475,367, C>T on the plus strand (G>A on the coding strand, the complement: GATA5 is on the minus strand). VCF-style: chr20-62475367-C-T. GRCh37 (hg19) VCF-style: chr20-61050423-C-T.
Other names: short protein forms S52N.
Identifiers: ClinVar variation 3685499 (VCV003685499.2).